The following is an entry in ClinVar:

NM_006208.3(ENPP1):c.*2698G>A

Gene: ENPP1 (ectonucleotide pyrophosphatase/phosphodiesterase 1; plus strand). Cytogenetic location: 6q23.2.
Variant type: single nucleotide variant.
Coding change: c.*2698G>A on transcript NM_006208.3 (MANE Select); 2698 bases downstream of the stop codon, G replaced by A.
Molecular consequence: 3 prime UTR variant.
Genome position (GRCh38, 1-based): chr6:131,893,209, G>A. VCF-style: chr6-131893209-G-A. GRCh37 (hg19) VCF-style: chr6-132214349-G-A.
Identifiers: ClinVar variation 355406 (VCV000355406.5), dbSNP rs146550172, ClinGen allele CA10625975.

ClinVar aggregate classification (germline): Likely benign. Review status: criteria provided, single submitter (1 of 4 stars). 2 submissions from 1 submitter: Likely benign (2). Last evaluated 2018-01-13.

Conditions:
Hypophosphatemic rickets, autosomal recessive, 2 (ARHR2). Identifiers: Orphanet 289176, MedGen C2750078, MONDO:0013219, OMIM 613312.
Arterial calcification, generalized, of infancy, 1 (GACI1). Also called: Idiopathic Infantile Arterial Calcification. Identifiers: Orphanet 51608, MedGen C4551985, MONDO:0008817, OMIM 208000.

Allele frequency attached by ClinVar (database versions not stated): gnomAD 0.00023 and 0.00033; TOPMed 0.00034; 1000 Genomes Project 0.00180; 1000 Genomes Project 30x 0.00187.

Submissions (2):

Illumina Laboratory Services, Illumina
Classification: Likely benign for Hypophosphatemic rickets, autosomal recessive, 2. Last evaluated: 2018-01-13. Review status: criteria provided, single submitter. Criteria: ICSL Variant Classification Criteria 13 December 2019. Collection method: clinical testing. Allele origin: germline.
Comment: This variant was observed in the ICSL laboratory as part of a predisposition screen in an ostensibly healthy population. It had not been previously curated by ICSL or reported in the Human Gene Mutation Database (HGMD: prior to June 1st, 2018), and was therefore a candidate for classification through an automated scoring system. Utilizing variant allele frequency, disease prevalence and penetrance estimates, and inheritance mode, an automated score was calculated to assess if this variant is too frequent to cause the disease. Based on the score and internal cut-off values, a variant classified as likely benign is not then subjected to further curation. The score for this variant resulted in a classification of likely benign for this disease.

Illumina Laboratory Services, Illumina
Classification: Likely benign for Arterial calcification, generalized, of infancy, 1. Last evaluated: 2018-01-13. Review status: criteria provided, single submitter. Criteria: ICSL Variant Classification Criteria 13 December 2019. Collection method: clinical testing. Allele origin: germline.
Comment: the same text as in the submission from Illumina Laboratory Services, Illumina above.